The following is an entry in ClinVar:

NM_000051.4(ATM):c.3154-3T>G

Gene: ATM (ATM serine/threonine kinase; plus strand). Cytogenetic location: 11q22.3.
Variant type: single nucleotide variant.
Coding change: c.3154-3T>G on transcript NM_000051.4 (MANE Select); 3 bases into the intron before coding-DNA position 3154, T replaced by G.
Molecular consequence: intron variant.
Genome position (GRCh38, 1-based): chr11:108,272,719, T>G. VCF-style: chr11-108272719-T-G. GRCh37 (hg19) VCF-style: chr11-108143446-T-G.
Other names: c.3154-3T>G (NM_001351834.2).
Identifiers: ClinVar variation 4728414 (VCV004728414.1).

ClinVar aggregate classification (germline): Uncertain significance (1 of 4 stars; one submission).

Conditions:
Ataxia-telangiectasia syndrome (AT). Also called: Cerebello-oculocutaneous telangiectasia; Immunodeficiency with ataxia telangiectasia; Ataxia-telangiectasia, complementation group E; LOUIS-BAR SYNDROME; AT, COMPLEMENTATION GROUP C; ATAXIA-TELANGIECTASIA, COMPLEMENTATION GROUP A. Identifiers: Orphanet 100, MedGen C0004135, MONDO:0008840, OMIM 208900.

Submission:

Labcorp Genetics (formerly Invitae), Labcorp
Classification: Uncertain significance for Ataxia-telangiectasia syndrome. Last evaluated: 2025-10-03. Review status: criteria provided, single submitter. Criteria: Invitae Variant Classification Sherloc (09022015). Collection method: clinical testing. Allele origin: germline.
Comment: This sequence change falls in intron 21 of the ATM gene. It does not directly change the encoded amino acid sequence of the ATM protein. It affects a nucleotide within the consensus splice site. This variant is not present in population databases (gnomAD no frequency). This variant has not been reported in the literature in individuals affected with ATM-related conditions. Variants that disrupt the consensus splice site are a relatively common cause of aberrant splicing (PMID: 17576681, 9536098). Studies have shown that this variant is associated with inconclusive levels of altered splicing (internal data). In summary, the available evidence is currently insufficient to determine the role of this variant in disease. Therefore, it has been classified as a Variant of Uncertain Significance.

Literature cited by the submitters: PubMed 17576681; PubMed 9536098.